The following is an entry in ClinVar:

ClinVar aggregate classification (germline): Uncertain significance (0 of 4 stars; one submission).

Conditions:
TRPC5-related disorder. Also called: TRPC5-related condition.

gnomAD v4.1: 1 of 1,211,342 alleles (0.000083%); no homozygotes.

Submission:

PreventionGenetics, part of Exact Sciences
Classification: Uncertain significance for TRPC5-related condition. Last evaluated: 2024-02-21. Review status: no assertion criteria provided. Collection method: clinical testing. Allele origin: germline.
Comment: The TRPC5 c.48C>G variant is predicted to result in the amino acid substitution p.Asp16Glu. To our knowledge, this variant has not been reported in the literature or in a large population database, indicating this variant is rare. At this time, the clinical significance of this variant is uncertain due to the absence of conclusive functional and genetic evidence.

NM_012471.3(TRPC5):c.48C>G (p.Asp16Glu)

Gene: TRPC5 (transient receptor potential cation channel subfamily C member 5; minus strand). Cytogenetic location: Xq23.
Variant type: single nucleotide variant.
Coding change: c.48C>G on transcript NM_012471.3 (MANE Select); coding-DNA position 48, C replaced by G.
Protein change: p.Asp16Glu; replaces aspartic acid 16 with glutamic acid.
Molecular consequence: missense variant.
Genome position (GRCh38, 1-based): chrX:111,952,373, G>C on the plus strand (C>G on the coding strand, the complement: TRPC5 is on the minus strand). VCF-style: chrX-111952373-G-C. GRCh37 (hg19) VCF-style: chrX-111195601-G-C.
Other names: short protein forms D16E.
Identifiers: ClinVar variation 3349178 (VCV003349178.1).